The following is an entry in ClinVar:

NM_001543.5(NDST1):c.2031C>T (p.Ser677=)

Gene: NDST1 (N-deacetylase and N-sulfotransferase 1; plus strand). Cytogenetic location: 5q33.1.
Variant type: single nucleotide variant.
Coding change: c.2031C>T on transcript NM_001543.5 (MANE Select); coding-DNA position 2031, C replaced by T.
Protein change: p.Ser677=; no amino-acid change (serine 677 retained).
Molecular consequence: synonymous variant.
Genome position (GRCh38, 1-based): chr5:150,545,372, C>T. VCF-style: chr5-150545372-C-T. GRCh37 (hg19) VCF-style: chr5-149924934-C-T.
Other names: c.2031C>T, p.Ser677= (NM_001301063.2).
Identifiers: ClinVar variation 3728890 (VCV003728890.11).

ClinVar aggregate classification (germline): Likely benign. Review status: criteria provided, multiple submitters, no conflicts (2 of 4 stars). 3 submissions from 3 submitters: Likely benign (3). Last evaluated 2025-06-01.

gnomAD v4.1: 291 of 1,614,236 alleles (0.018%); highest among the groups gnomAD compares: Non-Finnish European, 0.023%; no homozygotes.

Submissions (3):

CeGaT Center for Human Genetics Tuebingen
Classification: Likely benign. Last evaluated: 2025-06-01. Review status: criteria provided, single submitter. Criteria: CeGaT Center For Human Genetics Tuebingen Variant Classification Criteria Version 2. Collection method: clinical testing. Allele origin: germline. Affected: yes. Observed: 1 variant allele.
Comment: NDST1: BP4, BP7

Blueprint Genetics
Classification: Likely benign. Last evaluated: 2024-08-26. Review status: criteria provided, single submitter. Criteria: ACMG Guidelines, 2015. Collection method: clinical testing. Allele origin: germline.

Labcorp Genetics (formerly Invitae), Labcorp
Classification: Likely benign. Last evaluated: 2024-08-05. Review status: criteria provided, single submitter. Criteria: Invitae Variant Classification Sherloc (09022015). Collection method: clinical testing. Allele origin: germline.